The following is an entry in ClinVar:

NM_001267550.2(TTN):c.4328T>C (p.Leu1443Pro)

Genes: TTN (titin; minus strand), LOC101927055 (uncharacterized LOC101927055; plus strand). Cytogenetic location: 2q31.2.
Variant type: single nucleotide variant.
Coding change: c.4328T>C on transcript NM_001267550.2 (MANE Select); coding-DNA position 4328, T replaced by C.
Protein change: p.Leu1443Pro; replaces leucine 1443 with proline.
Molecular consequence: missense variant. On other transcripts: non-coding transcript variant (1).
Genome position (GRCh38, 1-based): chr2:178,777,856, A>G on the plus strand (T>C on the coding strand, the complement: TTN is on the minus strand). VCF-style: chr2-178777856-A-G. GRCh37 (hg19) VCF-style: chr2-179642583-A-G.
Other names: p.L1443P:CTG>CCG; c.4328T>C, p.Leu1443Pro (NM_001256850.1, NM_133378.4, NM_133379.5); c.4190T>C, p.Leu1397Pro (NM_003319.4, NM_133432.3, NM_133437.4); short protein forms L1443P, L1397P.
Identifiers: ClinVar variation 47049 (VCV000047049.44), dbSNP rs142317580, ClinGen allele CA139853.

ClinVar aggregate classification (germline): Benign/Likely benign. Review status: criteria provided, multiple submitters, no conflicts (2 of 4 stars). 23 submissions from 16 submitters: Benign (18); Likely benign (5). Last evaluated 2026-02-03.

Conditions:
Dilated cardiomyopathy 1G (CMD1G). Identifiers: Orphanet 154, MedGen C1858763, MONDO:0011400, OMIM 604145.
Autosomal recessive limb-girdle muscular dystrophy type 2J (LGMDR10). Also called: MUSCULAR DYSTROPHY, LIMB-GIRDLE, AUTOSOMAL RECESSIVE 10; Limb-girdle muscular dystrophy, type 2J. Identifiers: Orphanet 140922, MedGen C1837342, MONDO:0012127, OMIM 608807.
Cardiovascular phenotype. Identifiers: MedGen CN230736.
Cardiomyopathy (CMYO). Also called: Cardiomyopathies. Identifiers: Orphanet 167848, MedGen C0878544, MONDO:0004994, HP:0001638. Inheritance: Various modes of inheritance.
Long QT syndrome (LQTS). Identifiers: MedGen C0023976, MeSH D008133, MONDO:0002442. Disease mechanism: loss of function. Inheritance: Various modes of inheritance.
Early-onset myopathy with fatal cardiomyopathy (CMYO5). Also called: CONGENITAL MYOPATHY 5 WITH CARDIOMYOPATHY; Salih Myopathy. Identifiers: Orphanet 289377, MedGen C2673677, MONDO:0012714, OMIM 611705. Disease mechanism: loss of function.
Myopathy, myofibrillar, 9, with early respiratory failure (MFM9). Also called: Myopathy, distal, with early respiratory failure, autosomal dominant; Hereditary myopathy with early respiratory failure; MYOPATHY, PROXIMAL, WITH EARLY RESPIRATORY MUSCLE INVOLVEMENT; EDSTROM MYOPATHY. Identifiers: Orphanet 178464, Orphanet 34521, MedGen C1863599, MONDO:0011362, OMIM 603689.
Tibial muscular dystrophy (TMD). Also called: Udd Distal Myopathy – Tibial Muscular Dystrophy; Tibial muscular dystrophy, tardive; UDD MYOPATHY. Identifiers: Orphanet 609, MedGen C1838244, MONDO:0010870, OMIM 600334.

Allele frequency attached by ClinVar (database versions not stated): gnomAD 0.00188 and 0.00198; 1000 Genomes Project 30x 0.00422; ESP Exome Variant Server 0.00031; TOPMed 0.00233; 1000 Genomes Project 0.00379.
gnomAD v4.1: 2,119 of 1,614,050 alleles (0.13%); highest among the groups gnomAD compares: Admixed American, 3.4%; 64 homozygotes.

Submissions (23):

Labcorp Genetics (formerly Invitae), Labcorp
Classification: Benign for Dilated cardiomyopathy 1G; Autosomal recessive limb-girdle muscular dystrophy type 2J. Last evaluated: 2026-02-03. Review status: criteria provided, single submitter. Criteria: Invitae Variant Classification Sherloc (09022015). Collection method: clinical testing. Allele origin: germline.

Molecular Diagnostic Laboratory for Inherited Cardiovascular Disease, Montreal Heart Institute
Classification: Likely benign. Last evaluated: 2025-04-09. Review status: criteria provided, single submitter. Criteria: ACMG Guidelines, 2015. Collection method: clinical testing. Allele origin: germline. Affected: no.

ARUP Laboratories, Molecular Genetics and Genomics, ARUP Laboratories
Classification: Benign. Last evaluated: 2023-11-22. Review status: criteria provided, single submitter. Criteria: ARUP Molecular Germline Variant Investigation Process 2024. Collection method: clinical testing. Allele origin: germline.

Genome-Nilou Lab
Classification: Benign for Autosomal recessive limb-girdle muscular dystrophy type 2J. Last evaluated: 2021-09-10. Review status: criteria provided, single submitter. Criteria: ACMG Guidelines, 2015. Collection method: clinical testing. Allele origin: germline. Affected: no.

Genome-Nilou Lab
Classification: Benign for Myopathy, myofibrillar, 9, with early respiratory failure. Last evaluated: 2021-09-10. Review status: criteria provided, single submitter. Criteria: ACMG Guidelines, 2015. Collection method: clinical testing. Allele origin: germline. Affected: no.

Genome-Nilou Lab
Classification: Benign for Early-onset myopathy with fatal cardiomyopathy. Last evaluated: 2021-09-10. Review status: criteria provided, single submitter. Criteria: ACMG Guidelines, 2015. Collection method: clinical testing. Allele origin: germline. Affected: no.

Genome-Nilou Lab
Classification: Benign for Tibial muscular dystrophy. Last evaluated: 2021-09-10. Review status: criteria provided, single submitter. Criteria: ACMG Guidelines, 2015. Collection method: clinical testing. Allele origin: germline. Affected: no.

Women's Health and Genetics/Laboratory Corporation of America, LabCorp
Classification: Likely benign. Last evaluated: 2020-11-14. Review status: criteria provided, single submitter. Criteria: LabCorp Variant Classification Summary - May 2015. Collection method: clinical testing. Allele origin: germline.

Center for Advanced Laboratory Medicine, UC San Diego Health, University of California San Diego
Classification: Benign for Cardiomyopathy; Long QT Syndrome. Last evaluated: 2019-05-14. Review status: criteria provided, single submitter. Criteria: ACMG Guidelines, 2015. Collection method: clinical testing. Allele origin: germline. Affected: yes. Observed: 3 variant alleles.

CHEO Genetics Diagnostic Laboratory, Children's Hospital of Eastern Ontario
Classification: Benign for Cardiomyopathy. Last evaluated: 2018-01-31. Review status: criteria provided, single submitter. Criteria: ACMG Guidelines, 2015. Collection method: clinical testing. Allele origin: germline.

Illumina Laboratory Services, Illumina
Classification: Benign for Early-onset myopathy with fatal cardiomyopathy. Last evaluated: 2018-01-13. Review status: criteria provided, single submitter. Criteria: ICSL Variant Classification Criteria 13 December 2019. Collection method: clinical testing. Allele origin: germline.
Comment: This variant was observed in the ICSL laboratory as part of a predisposition screen in an ostensibly healthy population. It had not been previously curated by ICSL or reported in the Human Gene Mutation Database (HGMD: prior to June 1st, 2018), and was therefore a candidate for classification through an automated scoring system. Utilizing variant allele frequency, disease prevalence and penetrance estimates, and inheritance mode, an automated score was calculated to assess if this variant is too frequent to cause the disease. Based on the score and internal cut-off values, a variant classified as benign is not then subjected to further curation. The score for this variant resulted in a classification of benign for this disease.

Illumina Laboratory Services, Illumina
Classification: Benign for Autosomal recessive limb-girdle muscular dystrophy type 2J. Last evaluated: 2018-01-13. Review status: criteria provided, single submitter. Criteria: ICSL Variant Classification Criteria 13 December 2019. Collection method: clinical testing. Allele origin: germline.
Comment: the same text as in the submission from Illumina Laboratory Services, Illumina above.

Illumina Laboratory Services, Illumina
Classification: Benign for Myopathy, myofibrillar, 9, with early respiratory failure. Last evaluated: 2018-01-13. Review status: criteria provided, single submitter. Criteria: ICSL Variant Classification Criteria 13 December 2019. Collection method: clinical testing. Allele origin: germline.
Comment: the same text as in the submission from Illumina Laboratory Services, Illumina above.

Illumina Laboratory Services, Illumina
Classification: Benign for Tibial muscular dystrophy. Last evaluated: 2018-01-13. Review status: criteria provided, single submitter. Criteria: ICSL Variant Classification Criteria 13 December 2019. Collection method: clinical testing. Allele origin: germline.
Comment: the same text as in the submission from Illumina Laboratory Services, Illumina above.

Illumina Laboratory Services, Illumina
Classification: Likely benign for Dilated cardiomyopathy 1G. Last evaluated: 2018-01-13. Review status: criteria provided, single submitter. Criteria: ICSL Variant Classification Criteria 13 December 2019. Collection method: clinical testing. Allele origin: germline.
Comment: This variant was observed in the ICSL laboratory as part of a predisposition screen in an ostensibly healthy population. It had not been previously curated by ICSL or reported in the Human Gene Mutation Database (HGMD: prior to June 1st, 2018), and was therefore a candidate for classification through an automated scoring system. Utilizing variant allele frequency, disease prevalence and penetrance estimates, and inheritance mode, an automated score was calculated to assess if this variant is too frequent to cause the disease. Based on the score and internal cut-off values, a variant classified as likely benign is not then subjected to further curation. The score for this variant resulted in a classification of likely benign for this disease.

Mayo Clinic Laboratories, Mayo Clinic
Classification: Benign. Last evaluated: 2017-08-15. Review status: criteria provided, single submitter. Criteria: ACMG Guidelines, 2015. Collection method: clinical testing. Allele origin: germline. Observed: 10 variant alleles.

Athena Diagnostics
Classification: Benign. Last evaluated: 2016-09-27. Review status: criteria provided, single submitter. Criteria: Athena Diagnostics Criteria. Collection method: clinical testing. Allele origin: germline.

GeneDx
Classification: Benign. Last evaluated: 2016-02-18. Review status: criteria provided, single submitter. Criteria: GeneDx Variant Classification (06012015). Collection method: clinical testing. Allele origin: germline. Affected: yes.
Comment: This variant is considered likely benign or benign based on one or more of the following criteria: it is a conservative change, it occurs at a poorly conserved position in the protein, it is predicted to be benign by multiple in silico algorithms, and/or has population frequency not consistent with disease.

Eurofins Ntd Llc (ga)
Classification: Benign. Last evaluated: 2015-07-22. Review status: criteria provided, single submitter. Criteria: EGL Classification Definitions 2015. Collection method: clinical testing. Allele origin: germline. Observed: 2 variant alleles, 2 heterozygotes.

Genetic Services Laboratory, University of Chicago
Classification: Likely benign. Last evaluated: 2015-02-10. Review status: criteria provided, single submitter. Criteria: ACMG Guidelines, 2015. Collection method: clinical testing. Allele origin: germline.

Laboratory for Molecular Medicine, Mass General Brigham Personalized Medicine
Classification: Benign. Last evaluated: 2014-12-23. Review status: criteria provided, single submitter. Criteria: LMM Criteria. Collection method: clinical testing. Allele origin: germline. Observed: 7 variant alleles.
Comment: p.Leu1443Pro in exon 25 of TTN: This variant is not expected to have clinical si gnificance because it has been identified in 4.5% (515/11554) of Latino chromoso mes by the Exome Aggregation Consortium (ExAC; d bSNP rs142317580).

Ambry Genetics
Classification: Benign for Cardiovascular phenotype. Last evaluated: 2013-11-26. Review status: criteria provided, single submitter. Criteria: Ambry Autosomal Dominant and X-Linked criteria (10/2015). Collection method: clinical testing. Allele origin: germline. Observed: 1 variant allele.

Breakthrough Genomics
Classification: Likely benign. Review status: criteria provided, single submitter. Criteria: ACMG Guidelines, 2015. Collection method: not provided. Allele origin: germline. Inheritance: Autosomal recessive inheritance. Affected: yes.